The following is an entry in ClinVar:

NM_014946.4(SPAST):c.97_105del (p.Pro33_Ala35del)

Gene: SPAST (spastin; plus strand). Cytogenetic location: 2p22.3.
Variant type: Deletion.
Coding change: c.97_105del on transcript NM_014946.4 (MANE Select); coding-DNA positions 97 to 105, 9 bases deleted (CCTCCCGCC; older notation c.97_105delCCTCCCGCC).
Protein change: p.Pro33_Ala35del.
Genome position (GRCh38, 1-based): chr2:32,063,928-32,063,936, CCTCCCGCC deleted; deleting any 9 consecutive bases within chr2:32,063,922-32,063,936 gives the same sequence; the c. name uses the placement nearest the transcript's 3' end. VCF-style (leftmost placement, unchanged base first): chr2-32063921-CCCCGCCCCT-C. GRCh37 (hg19) VCF-style: chr2-32288990-CCCCGCCCCT-C.
Other names: c.97_105del, p.Pro33_Ala35del (NM_001363823.2, NM_001363875.2, NM_001377959.1 and 1 more transcripts).
Identifiers: ClinVar variation 3678139 (VCV003678139.3).

ClinVar aggregate classification (germline): Uncertain significance. Review status: criteria provided, multiple submitters, no conflicts (2 of 4 stars). 2 submissions from 2 submitters: Uncertain significance (2). Last evaluated 2024-10-16.

Conditions:
Hereditary spastic paraplegia 4. Also called: Spastic Paraplegia 4; Spastic paraplegia 4, autosomal dominant; Familial spastic paraplegia autosomal dominant 2. Identifiers: Orphanet 100985, MedGen C1866855, MONDO:0008438, OMIM 182601.

Submissions (2):

Labcorp Genetics (formerly Invitae), Labcorp
Classification: Uncertain significance for Hereditary spastic paraplegia 4. Last evaluated: 2024-10-16. Review status: criteria provided, single submitter. Criteria: Invitae Variant Classification Sherloc (09022015). Collection method: clinical testing. Allele origin: germline.
Comment: This variant, c.97_105del, results in the deletion of 3 amino acid(s) of the SPAST protein (p.Pro33_Ala35del), but otherwise preserves the integrity of the reading frame. This variant is present in population databases (rs745951969, gnomAD 0.001%). This variant has not been reported in the literature in individuals affected with SPAST-related conditions. Experimental studies and prediction algorithms are not available or were not evaluated, and the functional significance of this variant is currently unknown. In summary, the available evidence is currently insufficient to determine the role of this variant in disease. Therefore, it has been classified as a Variant of Uncertain Significance.

Blueprint Genetics
Classification: Uncertain significance. Last evaluated: 2022-05-27. Review status: criteria provided, single submitter. Criteria: ACMG Guidelines, 2015. Collection method: clinical testing. Allele origin: germline.